The following is an entry in ClinVar:

ClinVar aggregate classification (germline): Uncertain significance (1 of 4 stars; one submission).

Conditions:
Familial focal epilepsy with variable foci (FPEVF). Identifiers: Orphanet 98820, MedGen C1858477, MONDO:0020310.

Submission:

Labcorp Genetics (formerly Invitae), Labcorp
Classification: Uncertain significance for Familial focal epilepsy with variable foci. Last evaluated: 2023-05-16. Review status: criteria provided, single submitter. Criteria: Invitae Variant Classification Sherloc (09022015). Collection method: clinical testing. Allele origin: germline.
Comment: This sequence change replaces arginine, which is basic and polar, with serine, which is neutral and polar, at codon 669 of the DEPDC5 protein (p.Arg669Ser). This variant is not present in population databases (gnomAD no frequency). This variant has not been reported in the literature in individuals affected with DEPDC5-related conditions. In summary, the available evidence is currently insufficient to determine the role of this variant in disease. Therefore, it has been classified as a Variant of Uncertain Significance. Algorithms developed to predict the effect of sequence changes on RNA splicing suggest that this variant may disrupt the consensus splice site. Experimental studies and prediction algorithms are not available or were not evaluated, and the functional significance of this variant is currently unknown.

NM_001242896.3(DEPDC5):c.2007G>C (p.Arg669Ser)

Gene: DEPDC5 (DEP domain containing 5, GATOR1 subcomplex subunit; plus strand). Cytogenetic location: 22q12.3.
Variant type: single nucleotide variant.
Coding change: c.2007G>C on transcript NM_001242896.3 (MANE Select); coding-DNA position 2007, G replaced by C.
Protein change: p.Arg669Ser; replaces arginine 669 with serine.
Molecular consequence: missense variant. On other transcripts: non-coding transcript variant (4), intron variant (3).
Genome position (GRCh38, 1-based): chr22:31,822,693, G>C. VCF-style: chr22-31822693-G-C. GRCh37 (hg19) VCF-style: chr22-32218679-G-C.
Other names: c.2007G>C, p.Arg669Ser (NM_001136029.4, NM_001363852.2, NM_001364318.2 and 3 more transcripts); c.1923G>C, p.Arg641Ser (NM_001369901.1, NM_001369902.1); c.1870+3468G>C (NM_001363854.2, NM_001242897.2, NM_001364319.2); short protein forms R641S, R669S.
Identifiers: ClinVar variation 2864830 (VCV002864830.3), dbSNP rs1213248608, ClinGen allele CA411283137.